The following is an entry in ClinVar:

NM_198576.4(AGRN):c.601C>G (p.Pro201Ala)

Gene: AGRN (agrin; plus strand). Cytogenetic location: 1p36.33.
Variant type: single nucleotide variant.
Coding change: c.601C>G on transcript NM_198576.4 (MANE Select); coding-DNA position 601, C replaced by G.
Protein change: p.Pro201Ala; replaces proline 201 with alanine.
Molecular consequence: missense variant.
Genome position (GRCh38, 1-based): chr1:1,040,754, C>G. VCF-style: chr1-1040754-C-G. GRCh37 (hg19) VCF-style: chr1-976134-C-G.
Other names: c.601C>G, p.Pro201Ala (NM_001305275.2); c.286C>G, p.Pro96Ala (NM_001364727.2); short protein forms P96A, P201A.
Identifiers: ClinVar variation 2012563 (VCV002012563.4), dbSNP rs2522653836, ClinGen allele CA337821973.

ClinVar aggregate classification (germline): Uncertain significance (1 of 4 stars; one submission).

Conditions:
Congenital myasthenic syndrome 8. Also called: Myasthenic syndrome, congenital, 8, with pre- and postsynaptic defects; MYASTHENIC SYNDROME, CONGENITAL, DUE TO AGRIN DEFICIENCY. Identifiers: Orphanet 590, MedGen C3808739, MONDO:0014052, OMIM 615120.

Submission:

Labcorp Genetics (formerly Invitae), Labcorp
Classification: Uncertain significance for Congenital myasthenic syndrome 8. Last evaluated: 2022-06-30. Review status: criteria provided, single submitter. Criteria: Invitae Variant Classification Sherloc (09022015). Collection method: clinical testing. Allele origin: germline.
Comment: This variant has not been reported in the literature in individuals affected with AGRN-related conditions. In summary, the available evidence is currently insufficient to determine the role of this variant in disease. Therefore, it has been classified as a Variant of Uncertain Significance. Algorithms developed to predict the effect of missense changes on protein structure and function output the following: SIFT: "Tolerated"; PolyPhen-2: "Possibly Damaging"; Align-GVGD: "Class C0". The alanine amino acid residue is found in multiple mammalian species, which suggests that this missense change does not adversely affect protein function. This variant is not present in population databases (gnomAD no frequency). This sequence change replaces proline, which is neutral and non-polar, with alanine, which is neutral and non-polar, at codon 201 of the AGRN protein (p.Pro201Ala).